The following is an entry in ClinVar:

NM_152743.4(BRAT1):c.2406C>T (p.Leu802=)

Gene: BRAT1 (BRCA1 associated ATM activator 1; minus strand). Cytogenetic location: 7p22.3.
Variant type: single nucleotide variant.
Coding change: c.2406C>T on transcript NM_152743.4 (MANE Select); coding-DNA position 2406, C replaced by T.
Protein change: p.Leu802=; no amino-acid change (leucine 802 retained).
Molecular consequence: synonymous variant. On other transcripts: non-coding transcript variant (1).
Genome position (GRCh38, 1-based): chr7:2,538,129, G>A on the plus strand (C>T on the coding strand, the complement: BRAT1 is on the minus strand). VCF-style: chr7-2538129-G-A. GRCh37 (hg19) VCF-style: chr7-2577763-G-A.
Other names: c.2406C>T (NM_152743.3); c.2586C>T, p.Leu862= (NM_001350626.2); c.1881C>T, p.Leu627= (NM_001350627.2).
Identifiers: ClinVar variation 2414027 (VCV002414027.9), dbSNP rs2534278523, ClinGen allele CA453454330.

ClinVar aggregate classification (germline): Likely benign. Review status: criteria provided, multiple submitters, no conflicts (2 of 4 stars). 3 submissions from 3 submitters: Likely benign (2). 1 of the submissions does not count toward it. Last evaluated 2024-12-09.

Conditions:
Neonatal-onset encephalopathy with rigidity and seizures. Also called: Lethal neonatal spasticity-epileptic encephalopathy syndrome. Identifiers: Orphanet 435845, MedGen C3281029, MONDO:0013784, OMIM 614498.
BRAT1-related disorder. Also called: BRAT1-related disorders; BRAT1-related condition.

Allele frequency attached by ClinVar (database versions not stated): gnomAD exomes below 0.00001.

Submissions (3):

Labcorp Genetics (formerly Invitae), Labcorp
Classification: Likely benign for Neonatal-onset encephalopathy with rigidity and seizures. Last evaluated: 2024-12-09. Review status: criteria provided, single submitter. Criteria: Invitae Variant Classification Sherloc (09022015). Collection method: clinical testing. Allele origin: germline.

Blueprint Genetics
Classification: Likely benign. Last evaluated: 2024-09-02. Review status: criteria provided, single submitter. Criteria: ACMG Guidelines, 2015. Collection method: clinical testing. Allele origin: germline.

PreventionGenetics, part of Exact Sciences
Classification: Likely benign for BRAT1-related condition. Last evaluated: 2024-05-22. Review status: no assertion criteria provided. Collection method: clinical testing. Allele origin: germline. Not counted in ClinVar's aggregate classification.
Comment: This variant is classified as likely benign based on ACMG/AMP sequence variant interpretation guidelines (Richards et al. 2015 PMID: 25741868, with internal and published modifications).